The following is an entry in ClinVar:

ClinVar aggregate classification (germline): Likely benign (1 of 4 stars; one submission).

Allele frequency attached by ClinVar (database versions not stated): gnomAD 0.00003; TOPMed 0.00003; ExAC 0.00005; 1000 Genomes Project 0.00040; 1000 Genomes Project 30x 0.00047.

Submission:

CeGaT Center for Human Genetics Tuebingen
Classification: Likely benign. Last evaluated: 2022-10-01. Review status: criteria provided, single submitter. Criteria: CeGaT Center For Human Genetics Tuebingen Variant Classification Criteria Version 2. Collection method: clinical testing. Allele origin: germline. Affected: yes. Observed: 1 variant allele.
Comment: MYO7B: BP4, BP7

NM_001393586.1(MYO7B):c.5094C>T (p.Val1698=)

Gene: MYO7B (myosin VIIB; plus strand). Cytogenetic location: 2q14.3.
Variant type: single nucleotide variant.
Coding change: c.5094C>T on transcript NM_001393586.1 (MANE Select); coding-DNA position 5094, C replaced by T.
Protein change: p.Val1698=; no amino-acid change (valine 1698 retained).
Molecular consequence: synonymous variant.
Genome position (GRCh38, 1-based): chr2:127,631,362, C>T. VCF-style: chr2-127631362-C-T. GRCh37 (hg19) VCF-style: chr2-128388937-C-T.
Other names: c.5016C>T, p.Val1672= (NM_001080527.2); c.1575C>T, p.Val525= (NM_001393594.1).
Identifiers: ClinVar variation 2651334 (VCV002651334.24), dbSNP rs147367030, ClinGen allele CA1862126.
Genomic context (GRCh38, chr2:127,631,362, plus strand): 5'-GCTGCTCAAGCGAGTCCACGCCAACGTCGACCTCTGGGACATCGCCTGCCAGATCTTTGT[C>T]GATATCCTTCCCCACCAGCCTGCCTGCACCTCGTCAATGCCAGGGCAGAGGCACCCAGCA-3'
Protein context (NP_001380515.1, residues 1688-1708): DLWDIACQIF[Val1698=]AILRYMGDYP